The following is an entry in ClinVar:

NM_000363.5(TNNI3):c.204G>T (p.Arg68=)

Gene: TNNI3 (troponin I3, cardiac type; minus strand). Cytogenetic location: 19q13.42.
Variant type: single nucleotide variant.
Coding change: c.204G>T on transcript NM_000363.5 (MANE Select); coding-DNA position 204, G replaced by T.
Protein change: p.Arg68=; no amino-acid change (arginine 68 retained).
Molecular consequence: synonymous variant.
Genome position (GRCh38, 1-based): chr19:55,156,279, C>A on the plus strand (G>T on the coding strand, the complement: TNNI3 is on the minus strand). VCF-style: chr19-55156279-C-A. GRCh37 (hg19) VCF-style: chr19-55667647-C-A.
Other names: p.Arg68=.
Identifiers: ClinVar variation 43366 (VCV000043366.45), dbSNP rs3729711, ClinGen allele CA021365.

ClinVar aggregate classification (germline): Conflicting classifications of pathogenicity. Review status: criteria provided, conflicting classifications (1 of 4 stars). 20 submissions from 17 submitters: Uncertain significance (1); Benign (13). 6 of the submissions do not count toward it. Last evaluated 2026-09-21.

Conditions:
Familial Hypertrophic Cardiomyopathy with Wolff-Parkinson-White Syndrome. Identifiers: MedGen CN239247.
Cardiovascular phenotype. Identifiers: MedGen CN230736.
Hypertrophic cardiomyopathy 7. Also called: TNNI3-Related Familial Hypertrophic Cardiomyopathy; Familial hypertrophic cardiomyopathy 7; CARDIOMYOPATHY, FAMILIAL HYPERTROPHIC, 7, MODIFIER OF. Identifiers: MedGen C1860752, MONDO:0013369, OMIM 613690.
Cardiomyopathy, familial restrictive, 1. Identifiers: Orphanet 75249, MedGen C1861861, MONDO:0007270, OMIM 115210.
Dilated cardiomyopathy 2A (CMD2A). Also called: CARDIOMYOPATHY, CONGESTIVE, AUTOSOMAL RECESSIVE; CARDIOMYOPATHY, DILATED, AUTOSOMAL RECESSIVE. Identifiers: Orphanet 154, MedGen C2678474, MONDO:0012746, OMIM 611880.
Cardiomyopathy (CMYO). Also called: Cardiomyopathies. Identifiers: Orphanet 167848, MedGen C0878544, MONDO:0004994, HP:0001638. Inheritance: Various modes of inheritance.
Hypertrophic cardiomyopathy. Also called: HYPERTROPHIC MYOCARDIOPATHY. Identifiers: Orphanet 217569, MedGen C0007194, MeSH D002312, MONDO:0005045, HP:0001639.

Allele frequency attached by ClinVar (database versions not stated): gnomAD 0.03880 and 0.04033; TOPMed 0.03489; 1000 Genomes Project 30x 0.02139; ESP Exome Variant Server 0.03682; gnomAD exomes 0.04063 and 0.05034; ExAC 0.04615; 1000 Genomes Project 0.02276.

Submissions (20):

Molecular Diagnostic Laboratory for Inherited Cardiovascular Disease, Montreal Heart Institute
Classification: Benign. Last evaluated: 2026-09-21. Review status: criteria provided, single submitter. Criteria: ACMG Guidelines, 2015. Collection method: clinical testing. Allele origin: germline. Affected: no.

Labcorp Genetics (formerly Invitae), Labcorp
Classification: Benign for Hypertrophic cardiomyopathy. Last evaluated: 2026-02-04. Review status: criteria provided, single submitter. Criteria: Invitae Variant Classification Sherloc (09022015). Collection method: clinical testing. Allele origin: germline.

Blueprint Genetics
Classification: Benign. Last evaluated: 2024-11-28. Review status: criteria provided, single submitter. Criteria: ACMG Guidelines, 2015. Collection method: clinical testing. Allele origin: germline.

All of Us Research Program, National Institutes of Health
Classification: Benign for Hypertrophic cardiomyopathy. Last evaluated: 2024-02-05. Review status: criteria provided, single submitter. Criteria: ACMG Guidelines, 2015. Collection method: clinical testing. Allele origin: germline. Inheritance: Autosomal dominant inheritance. Observed: 9,449 variant alleles, 9,221 heterozygotes, 228 homozygotes.
Comment: This study involves interpretation of variants in research participants for the purpose of population health screening. Participant phenotype was not available at the time of variant classification. Additional details can be found in publication PMID: 35346344, PMCID: PMC8962531

Color Diagnostics, LLC DBA Color Health
Classification: Benign for Cardiomyopathy. Last evaluated: 2018-03-16. Review status: criteria provided, single submitter. Criteria: ACMG Guidelines, 2015. Collection method: clinical testing. Allele origin: germline.

Illumina Laboratory Services, Illumina
Classification: Benign for Hypertrophic cardiomyopathy 7. Last evaluated: 2018-03-06. Review status: criteria provided, single submitter. Criteria: ICSL Variant Classification Criteria 13 December 2019. Collection method: clinical testing. Allele origin: germline.
Comment: This variant was observed in the ICSL laboratory as part of a predisposition screen in an ostensibly healthy population. It had not been previously curated by ICSL or reported in the Human Gene Mutation Database (HGMD: prior to June 1st, 2018), and was therefore a candidate for classification through an automated scoring system. Utilizing variant allele frequency, disease prevalence and penetrance estimates, and inheritance mode, an automated score was calculated to assess if this variant is too frequent to cause the disease. Based on the score and internal cut-off values, a variant classified as benign is not then subjected to further curation. The score for this variant resulted in a classification of benign for this disease.

Illumina Laboratory Services, Illumina
Classification: Benign for Familial Hypertrophic Cardiomyopathy with Wolff-Parkinson-White Syndrome. Last evaluated: 2018-03-06. Review status: criteria provided, single submitter. Criteria: ICSL Variant Classification Criteria 13 December 2019. Collection method: clinical testing. Allele origin: germline.
Comment: the same text as in the submission from Illumina Laboratory Services, Illumina above.

Illumina Laboratory Services, Illumina
Classification: Uncertain significance for Dilated cardiomyopathy 2A. Last evaluated: 2018-03-06. Review status: criteria provided, single submitter. Criteria: ICSL Variant Classification Criteria 13 December 2019. Collection method: clinical testing. Allele origin: germline.

Illumina Laboratory Services, Illumina
Classification: Benign for Cardiomyopathy, familial restrictive, 1. Last evaluated: 2018-03-06. Review status: criteria provided, single submitter. Criteria: ICSL Variant Classification Criteria 13 December 2019. Collection method: clinical testing. Allele origin: germline.
Comment: the same text as in the submission from Illumina Laboratory Services, Illumina above.

Ambry Genetics
Classification: Benign for Cardiovascular phenotype. Last evaluated: 2015-06-18. Review status: criteria provided, single submitter. Criteria: Ambry Variant Classification Scheme 2023. Collection method: clinical testing. Allele origin: germline.

Mayo Clinic Laboratories, Mayo Clinic
Classification: Benign. Last evaluated: 2015-03-27. Review status: criteria provided, single submitter. Criteria: ACMG Guidelines, 2015. Collection method: clinical testing. Allele origin: germline. Observed: 133 variant alleles.

GeneDx
Classification: Benign. Last evaluated: 2015-03-03. Review status: criteria provided, single submitter. Criteria: GeneDx Variant Classification Process June 2021. Collection method: clinical testing. Allele origin: germline. Affected: yes.

Laboratory for Molecular Medicine, Mass General Brigham Personalized Medicine
Classification: Benign. Last evaluated: 2008-01-18. Review status: criteria provided, single submitter. Criteria: LMM Criteria. Collection method: clinical testing. Allele origin: germline. Observed: 419 variant alleles.

PreventionGenetics, part of Exact Sciences
Classification: Benign. Review status: criteria provided, single submitter. Criteria: ACMG Guidelines, 2015. Collection method: clinical testing. Allele origin: germline.

Cohesion Phenomics
Classification: Benign for Hypertrophic Cardiomyopathy. Last evaluated: 2022-10-10. Review status: no assertion criteria provided. Criteria: ACMG Guidelines, 2015. Collection method: clinical testing. Allele origin: germline. Affected: yes. Not counted in ClinVar's aggregate classification.

Clinical Genetics DNA and cytogenetics Diagnostics Lab, Erasmus MC, Erasmus Medical Center
Classification: Benign. Review status: no assertion criteria provided. Collection method: clinical testing. Allele origin: germline. Affected: yes. Study: VKGL Data-share Consensus. Not counted in ClinVar's aggregate classification.

Clinical Genetics, Academic Medical Center
Classification: Benign. Review status: no assertion criteria provided. Collection method: clinical testing. Allele origin: germline. Affected: yes. Study: VKGL Data-share Consensus. Not counted in ClinVar's aggregate classification.

Diagnostic Laboratory, Department of Genetics, University Medical Center Groningen
Classification: Benign. Review status: no assertion criteria provided. Collection method: clinical testing. Allele origin: germline. Affected: yes. Study: VKGL Data-share Consensus. Not counted in ClinVar's aggregate classification.

Genome Diagnostics Laboratory, University Medical Center Utrecht
Classification: Benign. Review status: no assertion criteria provided. Collection method: clinical testing. Allele origin: germline. Affected: yes. Study: VKGL Data-share Consensus. Not counted in ClinVar's aggregate classification.

Joint Genome Diagnostic Labs from Nijmegen and Maastricht, Radboudumc and MUMC+
Classification: Benign. Review status: no assertion criteria provided. Collection method: clinical testing. Allele origin: germline. Affected: yes. Study: VKGL Data-share Consensus. Not counted in ClinVar's aggregate classification.